The following is an entry in ClinVar:

ClinVar aggregate classification (germline): Uncertain significance (1 of 4 stars; one submission).

Conditions:
Glycogen storage disease due to muscle and heart glycogen synthase deficiency. Also called: GSD 0b; MUSCLE GLYCOGEN SYNTHASE DEFICIENCY. Identifiers: Orphanet 137625, MedGen C1969054, MONDO:0012693, OMIM 611556.

gnomAD v4.1: 1 of 1,613,570 alleles (0.000062%); highest among the groups gnomAD compares: Non-Finnish European, 0.000085%; no homozygotes.

Submission:

Labcorp Genetics (formerly Invitae), Labcorp
Classification: Uncertain significance for Glycogen storage disease due to muscle and heart glycogen synthase deficiency. Last evaluated: 2022-03-20. Review status: criteria provided, single submitter. Criteria: Invitae Variant Classification Sherloc (09022015). Collection method: clinical testing. Allele origin: germline.
Comment: This sequence change replaces arginine, which is basic and polar, with histidine, which is basic and polar, at codon 588 of the GYS1 protein (p.Arg588His). This variant is not present in population databases (gnomAD no frequency). This variant has not been reported in the literature in individuals affected with GYS1-related conditions. Algorithms developed to predict the effect of missense changes on protein structure and function are either unavailable or do not agree on the potential impact of this missense change (SIFT: "Deleterious"; PolyPhen-2: "Probably Damaging"; Align-GVGD: "Class C0"). In summary, the available evidence is currently insufficient to determine the role of this variant in disease. Therefore, it has been classified as a Variant of Uncertain Significance.

NM_002103.5(GYS1):c.1763G>A (p.Arg588His)

Gene: GYS1 (glycogen synthase 1; minus strand). Cytogenetic location: 19q13.33.
Variant type: single nucleotide variant.
Coding change: c.1763G>A on transcript NM_002103.5 (MANE Select); coding-DNA position 1763, G replaced by A.
Protein change: p.Arg588His; replaces arginine 588 with histidine.
Molecular consequence: missense variant. On other transcripts: non-coding transcript variant (1).
Genome position (GRCh38, 1-based): chr19:48,970,592, C>T on the plus strand (G>A on the coding strand, the complement: GYS1 is on the minus strand). VCF-style: chr19-48970592-C-T. GRCh37 (hg19) VCF-style: chr19-49473849-C-T.
Other names: c.1571G>A, p.Arg524His (NM_001161587.2); short protein forms R524H, R588H.
Identifiers: ClinVar variation 2151065 (VCV002151065.4), dbSNP rs2513705058, ClinGen allele CA406760222.
Genomic context (GRCh38, chr19:48,970,592, plus strand): 5'-AGTGGGGGTCCTACCCGGCCTAGGTATTTCCAGTCCAGAAGGTCGGAGAGGCGCTCCGTG[C>T]GGTTCCGCTGGATGATACGCTGCCGCCGGCTCTGCTGACAGAAACTGTAGAGGAAGGAGG-3'
Protein context (NP_002094.2, residues 578-598): SRRQRIIQRN[Arg588His]TERLSDLLDW